The following is an entry in ClinVar:

NM_153603.4(COG7):c.1259G>T (p.Gly420Val)

Gene: COG7 (component of oligomeric golgi complex 7; minus strand). Cytogenetic location: 16p12.2.
Variant type: single nucleotide variant.
Coding change: c.1259G>T on transcript NM_153603.4 (MANE Select); coding-DNA position 1259, G replaced by T.
Protein change: p.Gly420Val; replaces glycine 420 with valine.
Molecular consequence: missense variant.
Genome position (GRCh38, 1-based): chr16:23,417,000, C>A on the plus strand (G>T on the coding strand, the complement: COG7 is on the minus strand). VCF-style: chr16-23417000-C-A. GRCh37 (hg19) VCF-style: chr16-23428321-C-A.
Other names: short protein forms G420V.
Identifiers: ClinVar variation 1399487 (VCV001399487.3), dbSNP rs773279166, ClinGen allele CA7961043.

ClinVar aggregate classification (germline): Uncertain significance (1 of 4 stars; one submission).

Conditions:
COG7 congenital disorder of glycosylation (CDG2E). Also called: CONGENITAL DISORDER OF GLYCOSYLATION, TYPE IIe; CDG IIe. Identifiers: Orphanet 79333, MedGen C2931010, MONDO:0012118, OMIM 608779.

Allele frequency attached by ClinVar (database versions not stated): ExAC 0.00001.
gnomAD v4.1: 2 of 1,614,230 alleles (0.00012%); highest among the groups gnomAD compares: Non-Finnish European, 0.00017%; no homozygotes.

Submission:

Labcorp Genetics (formerly Invitae), Labcorp
Classification: Uncertain significance for COG7 congenital disorder of glycosylation. Last evaluated: 2022-01-06. Review status: criteria provided, single submitter. Criteria: Invitae Variant Classification Sherloc (09022015). Collection method: clinical testing. Allele origin: germline.
Comment: This sequence change replaces glycine, which is neutral and non-polar, with valine, which is neutral and non-polar, at codon 420 of the COG7 protein (p.Gly420Val). This variant is present in population databases (rs773279166, gnomAD 0.002%). This variant has not been reported in the literature in individuals affected with COG7-related conditions. Algorithms developed to predict the effect of missense changes on protein structure and function are either unavailable or do not agree on the potential impact of this missense change (SIFT: "Deleterious"; PolyPhen-2: "Probably Damaging"; Align-GVGD: "Class C0"). In summary, the available evidence is currently insufficient to determine the role of this variant in disease. Therefore, it has been classified as a Variant of Uncertain Significance.